The following is an entry in ClinVar:

NM_032634.4(PIGO):c.1127G>A (p.Arg376Gln)

Gene: PIGO (phosphatidylinositol glycan anchor biosynthesis class O; minus strand). Cytogenetic location: 9p13.3.
Variant type: single nucleotide variant.
Coding change: c.1127G>A on transcript NM_032634.4 (MANE Select); coding-DNA position 1127, G replaced by A.
Protein change: p.Arg376Gln; replaces arginine 376 with glutamine.
Molecular consequence: missense variant.
Genome position (GRCh38, 1-based): chr9:35,092,760, C>T on the plus strand (G>A on the coding strand, the complement: PIGO is on the minus strand). VCF-style: chr9-35092760-C-T. GRCh37 (hg19) VCF-style: chr9-35092757-C-T.
Other names: c.1127G>A, p.Arg376Gln (NM_001201484.2, NM_152850.4); short protein forms R376Q.
Identifiers: ClinVar variation 1309175 (VCV001309175.4), dbSNP rs768552303, ClinGen allele CA5040709.
Genomic context (GRCh38, chr9:35,092,760, plus strand): 5'-AGCTGATGAAGCTCCTTAGCTTGAAGGTCCTGAGTAGCAGCTGAGTAGGTATGAAGAAAT[C>T]GGGACACCTGGCAGAGAAAAGGTCAGAGGCCAAGGGGAACAGGTCAGAGACATAAATTGG-3'
Protein context (NP_116023.2, residues 366-386): ALHLNAQQVS[Arg376Gln]FLHTYSAATQ

ClinVar aggregate classification (germline): Uncertain significance. Review status: criteria provided, multiple submitters, no conflicts (2 of 4 stars). 3 submissions from 3 submitters: Uncertain significance (3). Last evaluated 2024-12-17.

Conditions:
Inborn genetic diseases. Identifiers: MedGen C0950123, MeSH D030342.
Hyperphosphatasia with impaired intellectual development syndrome 2. Also called: GLYCOSYLPHOSPHATIDYLINOSITOL BIOSYNTHESIS DEFECT 6; Hyperphosphatasia with intellectual disability syndrome 2. Identifiers: Orphanet 247262, MedGen C3553637, MONDO:0013882, OMIM 614749.

Allele frequency attached by ClinVar (database versions not stated): gnomAD exomes 0.00001 and 0.00002; ExAC 0.00001; gnomAD 0.00002.
gnomAD v4.1: 31 of 1,603,288 alleles (0.0019%); highest among the groups gnomAD compares: East Asian, 0.011%; no homozygotes.

Submissions (3):

Ambry Genetics
Classification: Uncertain significance for Inborn genetic diseases. Last evaluated: 2024-12-17. Review status: criteria provided, single submitter. Criteria: Ambry Variant Classification Scheme 2023. Collection method: clinical testing. Allele origin: germline.

Labcorp Genetics (formerly Invitae), Labcorp
Classification: Uncertain significance for Hyperphosphatasia with impaired intellectual development syndrome 2. Last evaluated: 2022-07-21. Review status: criteria provided, single submitter. Criteria: Invitae Variant Classification Sherloc (09022015). Collection method: clinical testing. Allele origin: germline.
Comment: This sequence change replaces arginine, which is basic and polar, with glutamine, which is neutral and polar, at codon 376 of the PIGO protein (p.Arg376Gln). This variant is present in population databases (rs768552303, gnomAD 0.003%). This variant has not been reported in the literature in individuals affected with PIGO-related conditions. ClinVar contains an entry for this variant (Variation ID: 1309175). Algorithms developed to predict the effect of missense changes on protein structure and function are either unavailable or do not agree on the potential impact of this missense change (SIFT: "Deleterious"; PolyPhen-2: "Probably Damaging"; Align-GVGD: "Class C0"). Algorithms developed to predict the effect of sequence changes on RNA splicing suggest that this variant may create or strengthen a splice site. In summary, the available evidence is currently insufficient to determine the role of this variant in disease. Therefore, it has been classified as a Variant of Uncertain Significance.

GeneDx
Classification: Uncertain significance. Last evaluated: 2019-10-15. Review status: criteria provided, single submitter. Criteria: GeneDx Variant Classification Process June 2021. Collection method: clinical testing. Allele origin: germline. Affected: yes.
Comment: Not observed at a significant frequency in large population cohorts (Lek et al., 2016); In silico analysis, which includes protein predictors and evolutionary conservation, supports a deleterious effect; Has not been previously published as pathogenic or benign to our knowledge